The following is an entry in ClinVar:

ClinVar aggregate classification (germline): Likely benign. Review status: criteria provided, multiple submitters, no conflicts (2 of 4 stars). 2 submissions from 2 submitters: Likely benign (2). Last evaluated 2025-11-17.

Conditions:
Dilated cardiomyopathy 1G (CMD1G). Identifiers: Orphanet 154, MedGen C1858763, MONDO:0011400, OMIM 604145.
Autosomal recessive limb-girdle muscular dystrophy type 2J (LGMDR10). Also called: Limb-girdle muscular dystrophy, type 2J; MUSCULAR DYSTROPHY, LIMB-GIRDLE, AUTOSOMAL RECESSIVE 10. Identifiers: Orphanet 140922, MedGen C1837342, MONDO:0012127, OMIM 608807.

Allele frequency attached by ClinVar (database versions not stated): TOPMed below 0.00001; gnomAD 0.00001; gnomAD exomes 0.00001.
gnomAD v4.1: 3 of 1,613,766 alleles (0.00019%); highest among the groups gnomAD compares: Admixed American, 0.005%; no homozygotes.

Submissions (2):

Labcorp Genetics (formerly Invitae), Labcorp
Classification: Likely benign for Dilated cardiomyopathy 1G; Autosomal recessive limb-girdle muscular dystrophy type 2J. Last evaluated: 2025-11-17. Review status: criteria provided, single submitter. Criteria: Invitae Variant Classification Sherloc (09022015). Collection method: clinical testing. Allele origin: germline.

GeneDx
Classification: Likely benign. Last evaluated: 2017-06-05. Review status: criteria provided, single submitter. Criteria: GeneDx Variant Classification (06012015). Collection method: clinical testing. Allele origin: germline. Affected: yes.
Comment: This variant is considered likely benign or benign based on one or more of the following criteria: it is a conservative change, it occurs at a poorly conserved position in the protein, it is predicted to be benign by multiple in silico algorithms, and/or has population frequency not consistent with disease.

NM_001267550.2(TTN):c.12294T>C (p.Ala4098=)

Gene: TTN (titin; minus strand). Cytogenetic location: 2q31.2.
Variant type: single nucleotide variant.
Coding change: c.12294T>C on transcript NM_001267550.2 (MANE Select); coding-DNA position 12294, T replaced by C.
Protein change: p.Ala4098=; no amino-acid change (alanine 4098 retained).
Molecular consequence: synonymous variant. On other transcripts: intron variant (1).
Genome position (GRCh38, 1-based): chr2:178,740,939, A>G on the plus strand (T>C on the coding strand, the complement: TTN is on the minus strand). VCF-style: chr2-178740939-A-G. GRCh37 (hg19) VCF-style: chr2-179605666-A-G.
Other names: c.11343T>C, p.Ala3781= (NM_001256850.1); c.11205T>C, p.Ala3735= (NM_003319.4); c.11580T>C, p.Ala3860= (NM_133432.3); c.11781T>C, p.Ala3927= (NM_133437.4); c.10361-2579T>C (NM_133378.4).
Identifiers: ClinVar variation 517926 (VCV000517926.4), dbSNP rs1386491689, ClinGen allele CA430296221.